The following is an entry in ClinVar:

ClinVar aggregate classification (germline): Likely pathogenic (1 of 4 stars; one submission).

Conditions:
Hereditary breast ovarian cancer syndrome. Also called: BRCA1- and BRCA2-Associated Hereditary Breast and Ovarian Cancer; Hereditary breast and ovarian cancer; Hereditary breast and ovarian cancer syndrome (HBOC); Hereditary breast and/or ovarian cancer syndrome; Hereditary breast and ovarian cancer syndrome; Breast and ovarian cancer. Identifiers: Orphanet 145, MedGen C0677776, MeSH D061325, MONDO:0003582. Disease mechanism: loss of function.

Submission:

Genetics and Personalized Medicine Clinic, Tartu University Hospital
Classification: Likely pathogenic for Hereditary breast ovarian cancer syndrome. Last evaluated: 2022-01-01. Review status: criteria provided, single submitter. Criteria: ACMG Guidelines, 2015. Collection method: clinical testing. Allele origin: germline. Affected: yes. Observed: 3 variant alleles.
Comment: This variant disrupts the canonical acceptor site of intron 7, predicted to cause exon skipping and a premature stop codon, leading to nonsense-mediated decay (PVS1). It is absent from population databases (PM2_Supporting) and has been observed in three individuals with breast cancer, including two with bilateral disease, supporting a role in cancer predisposition.

NM_000465.4(BARD1):c.1678-1G>C

Gene: BARD1 (BRCA1 associated RING domain 1; minus strand). Cytogenetic location: 2q35.
Variant type: single nucleotide variant.
Coding change: c.1678-1G>C on transcript NM_000465.4 (MANE Select); the canonical splice acceptor site of the intron before coding-DNA position 1678, G replaced by C.
Molecular consequence: splice acceptor variant. On other transcripts: intron variant (1).
Genome position (GRCh38, 1-based): chr2:214,745,855, C>G on the plus strand (G>C on the coding strand, the complement: BARD1 is on the minus strand). VCF-style: chr2-214745855-C-G. GRCh37 (hg19) VCF-style: chr2-215610579-C-G.
Other names: c.268-1G>C (NM_001282548.2); c.1621-1G>C (NM_001282543.2); c.325-1G>C (NM_001282545.2); c.365-15347G>C (NM_001282549.2).
Identifiers: ClinVar variation 4082389 (VCV004082389.1).